The following is an entry in ClinVar:

NM_006012.4(CLPP):c.801G>A (p.Ala267=)

Gene: CLPP (caseinolytic mitochondrial matrix peptidase proteolytic subunit; plus strand). Cytogenetic location: 19p13.3.
Variant type: single nucleotide variant.
Coding change: c.801G>A on transcript NM_006012.4 (MANE Select); coding-DNA position 801, G replaced by A.
Protein change: p.Ala267=; no amino-acid change (alanine 267 retained).
Molecular consequence: synonymous variant.
Genome position (GRCh38, 1-based): chr19:6,368,677, G>A. VCF-style: chr19-6368677-G-A. GRCh37 (hg19) VCF-style: chr19-6368688-G-A.
Identifiers: ClinVar variation 226523 (VCV000226523.51), dbSNP rs112620134, ClinGen allele CA9123029.

ClinVar aggregate classification (germline): Benign. Review status: criteria provided, multiple submitters, no conflicts (2 of 4 stars). 7 submissions from 7 submitters: Benign (6). 1 of the submissions does not count toward it. Last evaluated 2026-08-01.

Allele frequency attached by ClinVar (database versions not stated): 1000 Genomes Project 0.00539; 1000 Genomes Project 30x 0.00593; gnomAD exomes 0.00813 and 0.01116; ESP Exome Variant Server 0.00924; TOPMed 0.00961; gnomAD 0.00974 and 0.00987; ExAC 0.01171.
gnomAD v4.1: 17,259 of 1,566,892 alleles (1.1%); highest among the groups gnomAD compares: Non-Finnish European, 1.3%; 100 homozygotes.

Submissions (7):

CeGaT Center for Human Genetics Tuebingen
Classification: Benign. Last evaluated: 2026-08-01. Review status: criteria provided, single submitter. Criteria: CeGaT Center For Human Genetics Tuebingen Variant Classification Criteria Version 2. Collection method: clinical testing. Allele origin: germline. Affected: yes. Observed: 36 variant alleles.
Comment: CLPP: BP4, BP7, BS1, BS2

Labcorp Genetics (formerly Invitae), Labcorp
Classification: Benign. Last evaluated: 2026-02-01. Review status: criteria provided, single submitter. Criteria: Invitae Variant Classification Sherloc (09022015). Collection method: clinical testing. Allele origin: germline.

Athena Diagnostics
Classification: Benign. Last evaluated: 2019-07-12. Review status: criteria provided, single submitter. Criteria: Athena Diagnostics Criteria. Collection method: clinical testing. Allele origin: germline.

GeneDx
Classification: Benign. Last evaluated: 2018-05-18. Review status: criteria provided, single submitter. Criteria: GeneDx Variant Classification Process June 2021. Collection method: clinical testing. Allele origin: germline. Affected: yes.

Laboratory for Molecular Medicine, Mass General Brigham Personalized Medicine
Classification: Benign. Last evaluated: 2014-11-24. Review status: criteria provided, single submitter. Criteria: LMM Criteria. Collection method: clinical testing. Allele origin: germline. Observed: 14 variant alleles.
Comment: Ala267Ala in exon 6 of CLPP: This variant is not expected to have clinical signi ficance because it does not alter an amino acid residue and is not located withi n the splice consensus sequence. It has been identified in 1.1% (92/8592) of Eur opean American chromosomes from a broad population by the NHLBI Exome Sequencing Project (dbSNP rs112620134).

Breakthrough Genomics
Classification: Benign. Review status: criteria provided, single submitter. Criteria: ACMG Guidelines, 2015. Collection method: not provided. Allele origin: germline. Inheritance: Autosomal recessive inheritance. Affected: yes.

Mayo Clinic Laboratories, Mayo Clinic
Classification: Benign. Last evaluated: 2017-07-13. Review status: no assertion criteria provided. Collection method: clinical testing. Allele origin: unknown. Not counted in ClinVar's aggregate classification.